The following is an entry in ClinVar:

ClinVar aggregate classification (germline): Likely pathogenic. Review status: criteria provided, multiple submitters, no conflicts (2 of 4 stars). 2 submissions from 2 submitters: Likely pathogenic (2). Last evaluated 2024-02-27.

Conditions:
Achondrogenesis, type IB (ACG1B). Also called: Achondrogenesis Type 1B. Identifiers: Orphanet 932, Orphanet 93298, MedGen C0265274, MONDO:0010966, OMIM 600972.

Submissions (2):

Natera, Inc.
Classification: Likely pathogenic for Achondrogenesis type IB. Last evaluated: 2024-02-27. Review status: criteria provided, single submitter. Criteria: Natera Variant Classification Schema (03/2026). Collection method: clinical testing. Allele origin: germline.
Comment: The c.1621delT variant in SLC26A2 is a frameshift variant predicted to shift the reading frame beginning at codon 541 and leads to a stop codon 44 codons downstream. This variant is expected to result in nonsense mediated decay, truncation, or a dysfunctional protein product. This variant is rare in the general population with a frequency below the threshold expected for the associated phenotype(s). Given the available evidence, this variant is classified as Likely Pathogenic.

Baylor Genetics
Classification: Likely pathogenic for Achondrogenesis, type IB. Last evaluated: 2024-01-11. Review status: criteria provided, single submitter. Criteria: ACMG Guidelines, 2015. Collection method: clinical testing. Allele origin: unknown.

NM_000112.4(SLC26A2):c.1621del (p.Cys541fs)

Gene: SLC26A2 (solute carrier family 26 member 2; plus strand). Cytogenetic location: 5q32.
Variant type: Deletion.
Coding change: c.1621del on transcript NM_000112.4 (MANE Select); coding-DNA position 1621, one base deleted (T; older notation c.1621delT).
Protein change: p.Cys541fs; shifts the reading frame from cysteine 541.
Molecular consequence: frameshift variant.
Genome position (GRCh38, 1-based): chr5:149,981,214, T deleted; the last of 4 consecutive T bases (chr5:149,981,211-149,981,214); deleting any one gives the same sequence. VCF-style (leftmost placement, unchanged base first): chr5-149981210-AT-A. GRCh37 (hg19) VCF-style: chr5-149360773-AT-A.
Other names: short protein forms C541fs.
Identifiers: ClinVar variation 3240492 (VCV003240492.2), dbSNP rs2480776529.